The following is an entry in ClinVar:

ClinVar aggregate classification (germline): Uncertain significance (1 of 4 stars; one submission).

Submission:

GeneDx
Classification: Uncertain significance. Last evaluated: 2026-02-23. Review status: criteria provided, single submitter. Criteria: GeneDx Variant Classification Process June 2021. Collection method: clinical testing. Allele origin: germline.
Comment: Not observed at significant frequency in large population cohorts (gnomAD); In silico analysis supports that this missense variant has a deleterious effect on protein structure/function; Has not been previously published as pathogenic or benign to our knowledge; Also known as 5306T>C; This variant is associated with the following publications: (PMID: 22193408, 9002670)

NM_000059.4(BRCA2):c.5078T>C (p.Leu1693Pro)

Gene: BRCA2 (BRCA2 DNA repair associated; plus strand). Cytogenetic location: 13q13.1.
Variant type: single nucleotide variant.
Coding change: c.5078T>C on transcript NM_000059.4 (MANE Select); coding-DNA position 5078, T replaced by C.
Protein change: p.Leu1693Pro; replaces leucine 1693 with proline.
Molecular consequence: missense variant. On other transcripts: non-coding transcript variant (1), intron variant (2).
Genome position (GRCh38, 1-based): chr13:32,339,433, T>C. VCF-style: chr13-32339433-T-C. GRCh37 (hg19) VCF-style: chr13-32913570-T-C.
Other names: c.5078T>C, p.Leu1693Pro (NM_001406719.1, NM_001406720.1, NM_001432077.1); c.1910-5125T>C (NM_001406721.1); c.425-5125T>C (NM_001406722.1); short protein forms L1693P.
Identifiers: ClinVar variation 4887945 (VCV004887945.1).